The following is an entry in ClinVar:

NM_020765.3(UBR4):c.9942C>T (p.Gly3314=)

Gene: UBR4 (ubiquitin protein ligase E3 component n-recognin 4; minus strand). Cytogenetic location: 1p36.13.
Variant type: single nucleotide variant.
Coding change: c.9942C>T on transcript NM_020765.3 (MANE Select); coding-DNA position 9942, C replaced by T.
Protein change: p.Gly3314=; no amino-acid change (glycine 3314 retained).
Molecular consequence: synonymous variant.
Genome position (GRCh38, 1-based): chr1:19,121,388, G>A on the plus strand (C>T on the coding strand, the complement: UBR4 is on the minus strand). VCF-style: chr1-19121388-G-A. GRCh37 (hg19) VCF-style: chr1-19447882-G-A.
Other names: NC_000001.10:g.19447882G>A.
Identifiers: ClinVar variation 791415 (VCV000791415.30), dbSNP rs34710232, ClinGen allele CA649322.

ClinVar aggregate classification (germline): Benign/Likely benign. Review status: criteria provided, multiple submitters, no conflicts (2 of 4 stars). 4 submissions from 4 submitters: Benign (2); Likely benign (1). 1 of the submissions does not count toward it. Last evaluated 2024-11-01.

Conditions:
UBR4-related disorder. Also called: UBR4-related condition.

Allele frequency attached by ClinVar (database versions not stated): gnomAD 0.00395 and 0.00398; TOPMed 0.00402; ExAC 0.00406; gnomAD exomes 0.00409 and 0.00561; 1000 Genomes Project 30x 0.00437; 1000 Genomes Project 0.00459; ESP Exome Variant Server 0.00546.
gnomAD v4.1: 8,773 of 1,614,080 alleles (0.54%); highest among the groups gnomAD compares: Middle Eastern, 1.3%; 35 homozygotes.

Submissions (10):

CeGaT Center for Human Genetics Tuebingen
Classification: Likely benign. Last evaluated: 2024-11-01. Review status: criteria provided, single submitter. Criteria: CeGaT Center For Human Genetics Tuebingen Variant Classification Criteria Version 2. Collection method: clinical testing. Allele origin: germline. Affected: yes. Observed: 3 variant alleles.
Comment: UBR4: BP4, BP7, BS2

Labcorp Genetics (formerly Invitae), Labcorp
Classification: Benign. Last evaluated: 2019-12-31. Review status: criteria provided, single submitter. Criteria: Invitae Variant Classification Sherloc (09022015). Collection method: clinical testing. Allele origin: germline.

Breakthrough Genomics
Classification: Benign. Review status: criteria provided, single submitter. Criteria: ACMG Guidelines, 2015. Collection method: not provided. Allele origin: germline. Inheritance: Unknown mechanism. Affected: yes.

PreventionGenetics, part of Exact Sciences
Classification: Likely benign for UBR4-related condition. Last evaluated: 2019-05-15. Review status: no assertion criteria provided. Collection method: clinical testing. Allele origin: germline. Not counted in ClinVar's aggregate classification.
Comment: This variant is classified as likely benign based on ACMG/AMP sequence variant interpretation guidelines (Richards et al. 2015 PMID: 25741868, with internal and published modifications).

Dr. Peter K. Rogan Lab, Western University
No classification provided (evidence only). Condition: Malignant tumor of urinary bladder. Review status: no classification provided. Collection method: in vitro. Allele origin: not applicable. Functional consequence: retained intron. Not counted in ClinVar's aggregate classification.

Dr. Peter K. Rogan Lab, Western University
No classification provided (evidence only). Condition: Clear cell carcinoma of kidney. Review status: no classification provided. Collection method: in vitro. Allele origin: not applicable. Functional consequence: retained intron. Not counted in ClinVar's aggregate classification.

Dr. Peter K. Rogan Lab, Western University
No classification provided (evidence only). Condition: Lung cancer. Review status: no classification provided. Collection method: in vitro. Allele origin: not applicable. Functional consequence: retained intron. Not counted in ClinVar's aggregate classification.

Dr. Peter K. Rogan Lab, Western University
No classification provided (evidence only). Condition: Sarcoma. Review status: no classification provided. Collection method: in vitro. Allele origin: not applicable. Functional consequence: skipped exon, retained intron. Not counted in ClinVar's aggregate classification.

Dr. Peter K. Rogan Lab, Western University
No classification provided (evidence only). Condition: Hepatocellular carcinoma. Review status: no classification provided. Collection method: in vitro. Allele origin: not applicable. Functional consequence: retained intron. Not counted in ClinVar's aggregate classification.

Dr. Peter K. Rogan Lab, Western University
No classification provided (evidence only). Condition: Malignant tumor of esophagus. Review status: no classification provided. Collection method: in vitro. Allele origin: not applicable. Functional consequence: retained intron. Not counted in ClinVar's aggregate classification.